The following is an entry in ClinVar:

ClinVar aggregate classification (germline): Uncertain significance (1 of 4 stars; one submission).

Submission:

GeneDx
Classification: Uncertain significance. Last evaluated: 2024-10-23. Review status: criteria provided, single submitter. Criteria: GeneDx Variant Classification Process June 2021. Collection method: clinical testing. Allele origin: germline. Affected: yes.
Comment: Not observed at significant frequency in large population cohorts (gnomAD); In silico analysis supports that this missense variant has a deleterious effect on protein structure/function; Has not been previously published as pathogenic or benign to our knowledge

NM_002516.4(NOVA2):c.454A>C (p.Thr152Pro)

Gene: NOVA2 (NOVA alternative splicing regulator 2; minus strand). Cytogenetic location: 19q13.32.
Variant type: single nucleotide variant.
Coding change: c.454A>C on transcript NM_002516.4 (MANE Select); coding-DNA position 454, A replaced by C.
Protein change: p.Thr152Pro; replaces threonine 152 with proline.
Molecular consequence: missense variant.
Genome position (GRCh38, 1-based): chr19:45,940,888, T>G on the plus strand (A>C on the coding strand, the complement: NOVA2 is on the minus strand). VCF-style: chr19-45940888-T-G. GRCh37 (hg19) VCF-style: chr19-46444146-T-G.
Other names: short protein forms T152P.
Identifiers: ClinVar variation 3893551 (VCV003893551.1).